The following is an entry in ClinVar:

ClinVar aggregate classification (germline): Uncertain significance (1 of 4 stars; one submission).

Conditions:
Neurodevelopmental disorder. Identifiers: MedGen C1535926, MeSH D065886, MONDO:0700092.

Allele frequency attached by ClinVar (database versions not stated): gnomAD exomes below 0.00001; gnomAD 0.00001; TOPMed 0.00005; ESP Exome Variant Server 0.00008.
gnomAD v4.1: 6 of 1,613,422 alleles (0.00037%); highest among the groups gnomAD compares: African/African-American, 0.0013%; no homozygotes.

Submission:

Institute of Human Genetics, University of Leipzig Medical Center
Classification: Uncertain significance for Neurodevelopmental disorder. Last evaluated: 2024-02-12. Review status: criteria provided, single submitter. Criteria: ACMG Guidelines, 2015. Collection method: clinical testing. Allele origin: de novo. Affected: yes.
Comment: This variant was identified as de novo (maternity and paternity confirmed) Criteria applied: PS2_MOD, PP3, PM1_SUP

Literature cited by the submitters: DOI 10.1007/s00439-024-02655-4.

NM_001363540.2(DOCK4):c.4040G>A (p.Arg1347Gln)

Gene: DOCK4 (dedicator of cytokinesis 4; minus strand). Cytogenetic location: 7q31.1.
Variant type: single nucleotide variant.
Coding change: c.4040G>A on transcript NM_001363540.2 (MANE Select); coding-DNA position 4040, G replaced by A.
Protein change: p.Arg1347Gln; replaces arginine 1347 with glutamine.
Molecular consequence: missense variant.
Genome position (GRCh38, 1-based): chr7:111,760,303, C>T on the plus strand (G>A on the coding strand, the complement: DOCK4 is on the minus strand). VCF-style: chr7-111760303-C-T. GRCh37 (hg19) VCF-style: chr7-111400359-C-T.
Other names: c.4013G>A, p.Arg1338Gln (NM_014705.4); short protein forms R1338Q, R1347Q.
Identifiers: ClinVar variation 2627578 (VCV002627578.2), dbSNP rs371464726, ClinGen allele CA163847014.